The following is an entry in ClinVar:

ClinVar aggregate classification (germline): Uncertain significance (1 of 4 stars; one submission).

Conditions:
Brugada syndrome. Also called: Sudden unexpected nocturnal death syndrome; Sudden Unexplained Death Syndrome; Sudden Unexplained Nocturnal Death Syndrome (SUNDS); Sudden unexplained nocturnal death syndrome. Identifiers: Orphanet 130, MedGen C1142166, MONDO:0015263.

Submission:

Labcorp Genetics (formerly Invitae), Labcorp
Classification: Uncertain significance for Brugada syndrome. Last evaluated: 2023-09-04. Review status: criteria provided, single submitter. Criteria: Invitae Variant Classification Sherloc (09022015). Collection method: clinical testing. Allele origin: germline.
Comment: In summary, the available evidence is currently insufficient to determine the role of this variant in disease. Therefore, it has been classified as a Variant of Uncertain Significance. Algorithms developed to predict the effect of missense changes on protein structure and function output the following: SIFT: "Not Available"; PolyPhen-2: "Benign"; Align-GVGD: "Not Available". The aspartic acid amino acid residue is found in multiple mammalian species, which suggests that this missense change does not adversely affect protein function. This variant has not been reported in the literature in individuals affected with SLMAP-related conditions. This variant is not present in population databases (gnomAD no frequency). This sequence change replaces glutamic acid, which is acidic and polar, with aspartic acid, which is acidic and polar, at codon 590 of the SLMAP protein (p.Glu590Asp).

NM_001377540.1(SLMAP):c.1872A>C (p.Glu624Asp)

Gene: SLMAP (sarcolemma associated protein; plus strand). Cytogenetic location: 3p14.3.
Variant type: single nucleotide variant.
Coding change: c.1872A>C on transcript NM_001377540.1 (MANE Select); coding-DNA position 1872, A replaced by C.
Protein change: p.Glu624Asp; replaces glutamic acid 624 with aspartic acid.
Molecular consequence: missense variant. On other transcripts: non-coding transcript variant (1).
Genome position (GRCh38, 1-based): chr3:57,912,553, A>C. VCF-style: chr3-57912553-A-C. GRCh37 (hg19) VCF-style: chr3-57898280-A-C.
Other names: c.1821A>C, p.Glu607Asp (NM_001304420.3, NM_001377541.1, NM_001377542.1); c.1707A>C, p.Glu569Asp (NM_001304421.2, NM_001377557.1, NM_001377559.1); c.423A>C, p.Glu141Asp (NM_001304422.3, NM_001311178.2); c.225A>C, p.Glu75Asp (NM_001304423.3); c.300A>C, p.Glu100Asp (NM_001311179.2, NM_001377926.1, NM_001377927.1 and 1 more transcripts); c.1893A>C, p.Glu631Asp (NM_001377538.1); c.1872A>C, p.Glu624Asp (NM_001377539.1); c.1809A>C, p.Glu603Asp (NM_001377545.1); and 8 more; short protein forms E141D, E545D, E569D, E631D, E75D, E528D, E562D, E590D.
Identifiers: ClinVar variation 2757974 (VCV002757974.3), dbSNP rs2475846815, ClinGen allele CA353408576.
Genomic context (GRCh38, chr3:57,912,553, plus strand): 5'-TCATCAAGCAGCAGCAAAGGTTGCCTCTGAGCGGGACACTGACATTGCTTCTTTACAAGA[A>C]GAGCTTAAGAAGGTGAGAGCTGAGCTTGAGCGGTGGCGGAAAGCAGCGTCTGAATATGAG-3'
Protein context (NP_001364469.1, residues 614-634): ERDTDIASLQ[Glu624Asp]ELKKVRAELE